The following is an entry in ClinVar:

NM_177438.3(DICER1):c.3586T>G (p.Phe1196Val)

Gene: DICER1 (dicer 1, ribonuclease III; minus strand). Cytogenetic location: 14q32.13.
Variant type: single nucleotide variant.
Coding change: c.3586T>G on transcript NM_177438.3 (MANE Select); coding-DNA position 3586, T replaced by G.
Protein change: p.Phe1196Val; replaces phenylalanine 1196 with valine.
Molecular consequence: missense variant. On other transcripts: non-coding transcript variant (6).
Genome position (GRCh38, 1-based): chr14:95,103,810, A>C on the plus strand (T>G on the coding strand, the complement: DICER1 is on the minus strand). VCF-style: chr14-95103810-A-C. GRCh37 (hg19) VCF-style: chr14-95570147-A-C.
Other names: c.3586T>G, p.Phe1196Val (NM_001395677.1, NM_001395678.1, NM_001395679.1 and 12 more transcripts); c.3304T>G, p.Phe1102Val (NM_001395686.1); c.3181T>G, p.Phe1061Val (NM_001395687.1, NM_001395688.1, NM_001395689.1 and 2 more transcripts); c.3019T>G, p.Phe1007Val (NM_001395691.1); c.1903T>G, p.Phe635Val (NM_001395697.1); short protein forms F1196V, F635V, F1061V, F1007V, F1102V.
Identifiers: ClinVar variation 4746776 (VCV004746776.1).

ClinVar aggregate classification (germline): Uncertain significance (1 of 4 stars; one submission).

Conditions:
DICER1-related tumor predisposition. Also called: DICER1-related pleuropulmonary blastoma cancer predisposition syndrome; DICER1 syndrome. Identifiers: Orphanet 284343, MedGen C3839822, MONDO:0100216.

Submission:

Labcorp Genetics (formerly Invitae), Labcorp
Classification: Uncertain significance for DICER1-related tumor predisposition. Last evaluated: 2026-01-13. Review status: criteria provided, single submitter. Criteria: Invitae Variant Classification Sherloc (09022015). Collection method: clinical testing. Allele origin: germline.
Comment: This sequence change replaces phenylalanine, which is neutral and non-polar, with valine, which is neutral and non-polar, at codon 1196 of the DICER1 protein (p.Phe1196Val). This variant is not present in population databases (gnomAD no frequency). This variant has not been reported in the literature in individuals affected with DICER1-related conditions. Invitae Evidence Modeling of protein sequence and biophysical properties (such as structural, functional, and spatial information, amino acid conservation, physicochemical variation, residue mobility, and thermodynamic stability) indicates that this missense variant is not expected to disrupt DICER1 protein function with a negative predictive value of 95%. In summary, the available evidence is currently insufficient to determine the role of this variant in disease. Therefore, it has been classified as a Variant of Uncertain Significance.